The following is an entry in ClinVar:

NM_198904.4(GABRG2):c.965C>A (p.Ala322Asp)

Gene: GABRG2 (gamma-aminobutyric acid type A receptor subunit gamma2; plus strand). Cytogenetic location: 5q34.
Variant type: single nucleotide variant.
Coding change: c.965C>A on transcript NM_198904.4 (MANE Select); coding-DNA position 965, C replaced by A.
Protein change: p.Ala322Asp; replaces alanine 322 with aspartic acid.
Molecular consequence: missense variant. On other transcripts: intron variant (1).
Genome position (GRCh38, 1-based): chr5:162,149,150, C>A. VCF-style: chr5-162149150-C-A. GRCh37 (hg19) VCF-style: chr5-161576156-C-A.
Other names: c.965C>A, p.Ala322Asp (NM_000816.3); c.956C>A, p.Ala319Asp (NM_001375339.1); c.962C>A, p.Ala321Asp (NM_001375341.1, NM_001375342.1); c.1085C>A, p.Ala362Asp (NM_001375343.1, NM_198903.2); c.1004C>A, p.Ala335Asp (NM_001375344.1); c.899C>A, p.Ala300Asp (NM_001375345.1, NM_001375346.1); c.878C>A, p.Ala293Asp (NM_001375347.1); c.545C>A, p.Ala182Asp (NM_001375348.1, NM_001375350.1); and 2 more; short protein forms A182D, A227D, A293D, A300D, A319D, A321D, A322D, A335D.
Identifiers: ClinVar variation 1017766 (VCV001017766.9), dbSNP rs1765176231, ClinGen allele CA362182386.

ClinVar aggregate classification (germline): Uncertain significance (1 of 4 stars; one submission).

Conditions:
EPILEPSY, CHILDHOOD ABSENCE, SUSCEPTIBILITY TO, 2 (ECA2). Identifiers: Orphanet 64280, MedGen C1843244, OMIM 607681.
Febrile seizures, familial, 8 (FEB8). Also called: CONVULSIONS, FAMILIAL FEBRILE, 8. Identifiers: Orphanet 36387, MedGen C1969810, MONDO:0011891, OMIM 607681.

Submission:

Labcorp Genetics (formerly Invitae), Labcorp
Classification: Uncertain significance for Febrile seizures, familial, 8; EPILEPSY, CHILDHOOD ABSENCE, SUSCEPTIBILITY TO, 2. Last evaluated: 2018-02-08. Review status: criteria provided, single submitter. Criteria: Invitae Variant Classification Sherloc (09022015). Collection method: clinical testing. Allele origin: germline.
Comment: This sequence change replaces alanine with aspartic acid at codon 322 of the GABRG2 protein (p.Ala322Asp). The alanine residue is highly conserved and there is a moderate physicochemical difference between alanine and aspartic acid. This variant is not present in population databases (ExAC no frequency). This variant has not been reported in the literature in individuals with GABRG2-related disease. Algorithms developed to predict the effect of missense changes on protein structure and function do not agree on the potential impact of this missense change (SIFT: "Deleterious"; PolyPhen-2: "Probably Damaging"; Align-GVGD: "Class C15"). In summary, the available evidence is currently insufficient to determine the role of this variant in disease. Therefore, it has been classified as a Variant of Uncertain Significance.